The following is an entry in ClinVar:

NM_001943.5(DSG2):c.1537G>T (p.Val513Leu)

Gene: DSG2 (desmoglein 2; plus strand). Cytogenetic location: 18q12.1.
Variant type: single nucleotide variant.
Coding change: c.1537G>T on transcript NM_001943.5 (MANE Select); coding-DNA position 1537, G replaced by T.
Protein change: p.Val513Leu; replaces valine 513 with leucine.
Molecular consequence: missense variant.
Genome position (GRCh38, 1-based): chr18:31,536,315, G>T. VCF-style: chr18-31536315-G-T. GRCh37 (hg19) VCF-style: chr18-29116278-G-T.
Other names: short protein forms V513L.
Identifiers: ClinVar variation 922535 (VCV000922535.5), dbSNP rs1325342385, ClinGen allele CA402141704.

ClinVar aggregate classification (germline): Uncertain significance (1 of 4 stars; one submission).

Conditions:
Cardiomyopathy (CMYO). Also called: Cardiomyopathies. Identifiers: Orphanet 167848, MedGen C0878544, MONDO:0004994, HP:0001638. Inheritance: Various modes of inheritance.

Submission:

Color Diagnostics, LLC DBA Color Health
Classification: Uncertain significance for Cardiomyopathy. Last evaluated: 2023-12-05. Review status: criteria provided, single submitter. Criteria: ACMG Guidelines, 2015. Collection method: clinical testing. Allele origin: germline.
Comment: This missense variant replaces valine with leucine at codon 513 of the DSG2 protein. Computational prediction tools and conservation analyses are inconclusive regarding the impact of this variant on the protein function. Computational splicing tools suggest that this variant may not impact RNA splicing. To our knowledge, functional assays have not been performed for this variant nor has this variant been reported in individuals affected with cardiovascular disorders in the literature. This variant has not been identified in the general population by the Genome Aggregation Database (gnomAD). Available evidence is insufficient to determine the role of this variant in disease conclusively. Therefore, this variant is classified as a Variant of Uncertain Significance.